The following is an entry in ClinVar:

ClinVar aggregate classification (germline): Benign/Likely benign. Review status: criteria provided, multiple submitters, no conflicts (2 of 4 stars). 2 submissions from 2 submitters: Benign (1); Likely benign (1). Last evaluated 2024-09-06.

Conditions:
Hereditary cancer-predisposing syndrome. Also called: Hereditary Cancer Syndrome; Tumor predisposition; Hereditary neoplastic syndrome; Neoplastic Syndromes, Hereditary. Identifiers: Orphanet 140162, MedGen C0027672, MeSH D009386, MONDO:0015356.
Familial cancer of breast. Also called: BREAST CANCER, FAMILIAL; Hereditary breast cancer; hereditary breast carcinoma. Identifiers: Orphanet 227535, MedGen C0346153, MONDO:0016419, OMIM 114480. Disease mechanism: loss of function.

Allele frequency attached by ClinVar (database versions not stated): ExAC 0.00001; gnomAD 0.00001; gnomAD exomes 0.00002.
gnomAD v4.1: 11 of 1,613,504 alleles (0.00068%); highest among the groups gnomAD compares: Non-Finnish European, 0.000085%; no homozygotes.

Submissions (2):

Ambry Genetics
Classification: Likely benign for Hereditary cancer-predisposing syndrome. Last evaluated: 2024-09-06. Review status: criteria provided, single submitter. Criteria: Ambry Variant Classification Scheme 2023. Collection method: clinical testing. Allele origin: germline.

Myriad Genetics, Inc.
Classification: Benign for Familial cancer of breast. Last evaluated: 2024-04-22. Review status: criteria provided, single submitter. Criteria: Myriad Autosomal Dominant, Autosomal Recessive and X-Linked Classification Criteria (2023). Collection method: clinical testing. Allele origin: unknown.
Comment: This variant is considered benign. This variant is a silent/synonymous amino acid change and it is not expected to impact splicing.

NM_000051.4(ATM):c.681A>G (p.Ser227=)

Gene: ATM (ATM serine/threonine kinase; plus strand). Cytogenetic location: 11q22.3.
Variant type: single nucleotide variant.
Coding change: c.681A>G on transcript NM_000051.4 (MANE Select); coding-DNA position 681, A replaced by G.
Protein change: p.Ser227=; no amino-acid change (serine 227 retained).
Molecular consequence: synonymous variant.
Genome position (GRCh38, 1-based): chr11:108,244,806, A>G. VCF-style: chr11-108244806-A-G. GRCh37 (hg19) VCF-style: chr11-108115533-A-G.
Other names: c.681A>G, p.Ser227= (NM_001351834.2).
Identifiers: ClinVar variation 3254524 (VCV003254524.2), dbSNP rs766129865.
Genomic context (GRCh38, chr11:108,244,806, plus strand): 5'-TCCCCCTGTTATACCCAGTTGAGCTTGTTTGTTTCTTCACAGACAAGAAAAGAGCTCTTC[A>G]GGTCTAAATCATATCTTAGCAGCTCTTACTATCTTCCTCAAGACTTTGGCTGTCAACTTT-3'
Protein context (NP_000042.3, residues 217-237): IQCARQEKSS[Ser227=]GLNHILAALT